The following is an entry in ClinVar:

ClinVar aggregate classification (germline): Uncertain significance. Review status: criteria provided, multiple submitters, no conflicts (2 of 4 stars). 2 submissions from 2 submitters: Uncertain significance (2). Last evaluated 2023-06-30.

Conditions:
Walker-Warburg congenital muscular dystrophy. Also called: Muscular dystrophy-dystroglycanopathy, type A; Walker-Warburg syndrome. Identifiers: Orphanet 899, MedGen C0265221, MONDO:0000171.

Submissions (2):

Mayo Clinic Laboratories, Mayo Clinic
Classification: Uncertain significance. Last evaluated: 2023-06-30. Review status: criteria provided, single submitter. Criteria: ACMG Guidelines, 2015. Collection method: clinical testing. Allele origin: germline. Observed: 1 variant allele.
Comment: BP4, PM2

Labcorp Genetics (formerly Invitae), Labcorp
Classification: Uncertain significance for Walker-Warburg congenital muscular dystrophy. Last evaluated: 2021-11-03. Review status: criteria provided, single submitter. Criteria: Invitae Variant Classification Sherloc (09022015). Collection method: clinical testing. Allele origin: germline.
Comment: This sequence change replaces glutamic acid, which is acidic and polar, with aspartic acid, which is acidic and polar, at codon 373 of the FKTN protein (p.Glu373Asp). This variant is not present in population databases (gnomAD no frequency). This variant has not been reported in the literature in individuals affected with FKTN-related conditions. Algorithms developed to predict the effect of missense changes on protein structure and function (SIFT, PolyPhen-2, Align-GVGD) all suggest that this variant is likely to be tolerated. In summary, the available evidence is currently insufficient to determine the role of this variant in disease. Therefore, it has been classified as a Variant of Uncertain Significance.

NM_001079802.2(FKTN):c.1119A>T (p.Glu373Asp)

Gene: FKTN (fukutin; plus strand). Cytogenetic location: 9q31.2.
Variant type: single nucleotide variant.
Coding change: c.1119A>T on transcript NM_001079802.2 (MANE Select); coding-DNA position 1119, A replaced by T.
Protein change: p.Glu373Asp; replaces glutamic acid 373 with aspartic acid.
Molecular consequence: missense variant. On other transcripts: non-coding transcript variant (2).
Genome position (GRCh38, 1-based): chr9:105,620,008, A>T. VCF-style: chr9-105620008-A-T. GRCh37 (hg19) VCF-style: chr9-108382289-A-T.
Other names: p.Glu373Asp; c.1119A>T, p.Glu373Asp (NM_001198963.2, NM_001351496.2, NM_001351498.2 and 1 more transcripts); c.1050A>T, p.Glu350Asp (NM_001351497.2); c.723A>T, p.Glu241Asp (NM_001351499.2, NM_001351500.2, NM_001351501.2 and 1 more transcripts); c.1119A>T (NM_001079802.1); short protein forms E373D, E241D, E350D.
Identifiers: ClinVar variation 1498722 (VCV001498722.4), dbSNP rs371776972, ClinGen allele CA374377863.